The following is an entry in ClinVar:

ClinVar aggregate classification (germline): Uncertain significance. Review status: criteria provided, multiple submitters, no conflicts (2 of 4 stars). 2 submissions from 2 submitters: Uncertain significance (2). Last evaluated 2022-09-30.

Conditions:
Inborn genetic diseases. Identifiers: MedGen C0950123, MeSH D030342.
Mosaic variegated aneuploidy syndrome 1 (MVA1). Also called: Warburton-Anyane-Yeboa syndrome. Identifiers: Orphanet 1052, MedGen C1850343, MONDO:0009759, OMIM 257300.

Allele frequency attached by ClinVar (database versions not stated): gnomAD exomes below 0.00001; TOPMed below 0.00001; gnomAD 0.00001.

Submissions (2):

Ambry Genetics
Classification: Uncertain significance for Inborn genetic diseases. Last evaluated: 2022-09-30. Review status: criteria provided, single submitter. Criteria: Ambry Variant Classification Scheme 2023. Collection method: clinical testing. Allele origin: germline.
Comment: The p.P802S variant (also known as c.2404C>T), located in coding exon 19 of the BUB1B gene, results from a C to T substitution at nucleotide position 2404. The proline at codon 802 is replaced by serine, an amino acid with similar properties. This amino acid position is conserved. In addition, this alteration is predicted to be tolerated by in silico analysis. Since supporting evidence is limited at this time, the clinical significance of this alteration remains unclear.

Labcorp Genetics (formerly Invitae), Labcorp
Classification: Uncertain significance for Mosaic variegated aneuploidy syndrome 1. Last evaluated: 2022-08-22. Review status: criteria provided, single submitter. Criteria: Invitae Variant Classification Sherloc (09022015). Collection method: clinical testing. Allele origin: germline.
Comment: This variant is present in population databases (no rsID available, gnomAD 0.007%). This sequence change replaces proline, which is neutral and non-polar, with serine, which is neutral and polar, at codon 802 of the BUB1B protein (p.Pro802Ser). In summary, the available evidence is currently insufficient to determine the role of this variant in disease. Therefore, it has been classified as a Variant of Uncertain Significance. Algorithms developed to predict the effect of missense changes on protein structure and function are either unavailable or do not agree on the potential impact of this missense change (SIFT: "Tolerated"; PolyPhen-2: "Probably Damaging"; Align-GVGD: "Class C0"). ClinVar contains an entry for this variant (Variation ID: 1015851). This variant has not been reported in the literature in individuals affected with BUB1B-related conditions.

NM_001211.6(BUB1B):c.2404C>T (p.Pro802Ser)

Gene: BUB1B (BUB1 mitotic checkpoint serine/threonine kinase B; plus strand). Cytogenetic location: 15q15.1.
Variant type: single nucleotide variant.
Coding change: c.2404C>T on transcript NM_001211.6 (MANE Select); coding-DNA position 2404, C replaced by T.
Protein change: p.Pro802Ser; replaces proline 802 with serine.
Molecular consequence: missense variant.
Genome position (GRCh38, 1-based): chr15:40,212,517, C>T. VCF-style: chr15-40212517-C-T. GRCh37 (hg19) VCF-style: chr15-40504718-C-T.
Other names: short protein forms P802S.
Identifiers: ClinVar variation 1015851 (VCV001015851.12), dbSNP rs1341275919, ClinGen allele CA391695134.